The following is an entry in ClinVar:

NM_003919.3(SGCE):c.1043A>G (p.Lys348Arg)

Genes: CASD1 (CAS1 domain sialic acid O acetyltransferase 1; plus strand), SGCE (sarcoglycan epsilon; minus strand). Cytogenetic location: 7q21.3.
Variant type: single nucleotide variant.
Coding change: c.1043A>G on transcript NM_003919.3 (MANE Select); coding-DNA position 1043, A replaced by G.
Protein change: p.Lys348Arg; replaces lysine 348 with arginine.
Molecular consequence: missense variant. On other transcripts: intron variant (6).
Genome position (GRCh38, 1-based): chr7:94,599,718, T>C on the plus strand (A>G on the coding strand, the complement: SGCE is on the minus strand). VCF-style: chr7-94599718-T-C. GRCh37 (hg19) VCF-style: chr7-94229030-T-C.
Other names: c.1043A>G, p.Lys348Arg (NM_001099401.2); c.920A>G, p.Lys307Arg (NM_001301139.2); c.1151A>G, p.Lys384Arg (NM_001346713.2); c.956A>G, p.Lys319Arg (NM_001346719.2); c.770A>G, p.Lys257Arg (NM_001346720.2); c.915-755A>G (NM_001362809.2); c.1038-755A>G (NM_001346717.2, NM_001099400.2); c.1146-755A>G (NM_001346715.2); and 2 more; short protein forms K348R, K319R, K384R, K257R, K307R.
Identifiers: ClinVar variation 4774748 (VCV004774748.1).

ClinVar aggregate classification (germline): Uncertain significance (1 of 4 stars; one submission).

Conditions:
Myoclonic dystonia 11 (DYT11). Also called: SGCE Myoclonus-Dystonia; Myoclonus-Dystonia; DYT-SGCE; Myoclonic dystonia; Dystonia 11; Dystonia, alcohol responsive. Identifiers: Orphanet 36899, MedGen C1834570, MONDO:0008044, OMIM 159900.

gnomAD v4.1: 3 of 1,605,682 alleles (0.00019%); highest among the groups gnomAD compares: African/African-American, 0.0027%; no homozygotes.

Submission:

Labcorp Genetics (formerly Invitae), Labcorp
Classification: Uncertain significance for Myoclonic dystonia 11. Last evaluated: 2025-12-09. Review status: criteria provided, single submitter. Criteria: Invitae Variant Classification Sherloc (09022015). Collection method: clinical testing. Allele origin: germline.
Comment: This sequence change replaces lysine, which is basic and polar, with arginine, which is basic and polar, at codon 348 of the SGCE protein (p.Lys348Arg). This variant is present in population databases (rs754309608, gnomAD 0.007%). This variant has not been reported in the literature in individuals affected with SGCE-related conditions. Invitae Evidence Modeling of protein sequence and biophysical properties (such as structural, functional, and spatial information, amino acid conservation, physicochemical variation, residue mobility, and thermodynamic stability) indicates that this missense variant is not expected to disrupt SGCE protein function with a negative predictive value of 80%. In summary, the available evidence is currently insufficient to determine the role of this variant in disease. Therefore, it has been classified as a Variant of Uncertain Significance.